The following is an entry in ClinVar:

ClinVar aggregate classification (germline): Uncertain significance. Review status: criteria provided, multiple submitters, no conflicts (2 of 4 stars). 2 submissions from 2 submitters: Uncertain significance (2). Last evaluated 2021-12-22.

Conditions:
Cardiovascular phenotype. Identifiers: MedGen CN230736.
Alstrom syndrome (ALMS). Identifiers: Orphanet 64, MedGen C0268425, MONDO:0008763, OMIM 203800.

Submissions (2):

Labcorp Genetics (formerly Invitae), Labcorp
Classification: Uncertain significance for Alstrom syndrome. Last evaluated: 2021-12-22. Review status: criteria provided, single submitter. Criteria: Invitae Variant Classification Sherloc (09022015). Collection method: clinical testing. Allele origin: germline.
Comment: In summary, the available evidence is currently insufficient to determine the role of this variant in disease. Therefore, it has been classified as a Variant of Uncertain Significance. Experimental studies and prediction algorithms are not available or were not evaluated, and the functional significance of this variant is currently unknown. This variant has not been reported in the literature in individuals affected with ALMS1-related conditions. This variant is not present in population databases (gnomAD no frequency). This sequence change replaces serine, which is neutral and polar, with arginine, which is basic and polar, at codon 583 of the ALMS1 protein (p.Ser583Arg).

Ambry Genetics
Classification: Uncertain significance for Cardiovascular phenotype. Last evaluated: 2021-10-20. Review status: criteria provided, single submitter. Criteria: Ambry Variant Classification Scheme 2023. Collection method: clinical testing. Allele origin: germline.
Comment: The p.S583R variant (also known as c.1747A>C), located in coding exon 8 of the ALMS1 gene, results from an A to C substitution at nucleotide position 1747. The serine at codon 583 is replaced by arginine, an amino acid with dissimilar properties. This amino acid position is poorly conserved in available vertebrate species. In addition, this alteration is predicted to be tolerated by in silico analysis. Since supporting evidence is limited at this time, the clinical significance of this alteration remains unclear.

NM_001378454.1(ALMS1):c.1744A>C (p.Ser582Arg)

Gene: ALMS1 (ALMS1 centrosome and basal body associated protein; plus strand). Cytogenetic location: 2p13.1.
Variant type: single nucleotide variant.
Coding change: c.1744A>C on transcript NM_001378454.1 (MANE Select); coding-DNA position 1744, A replaced by C.
Protein change: p.Ser582Arg; replaces serine 582 with arginine.
Molecular consequence: missense variant.
Genome position (GRCh38, 1-based): chr2:73,448,271, A>C. VCF-style: chr2-73448271-A-C. GRCh37 (hg19) VCF-style: chr2-73675398-A-C.
Other names: c.1747A>C, p.Ser583Arg (NM_015120.4); short protein forms S582R, S583R.
Identifiers: ClinVar variation 1779315 (VCV001779315.7), dbSNP rs1204845230, ClinGen allele CA347265281.